The following is an entry in ClinVar:

NM_001267550.2(TTN):c.101875G>A (p.Glu33959Lys)

Genes: TTN (titin; minus strand), TTN-AS1 (TTN antisense RNA 1; plus strand). Cytogenetic location: 2q31.2.
Variant type: single nucleotide variant.
Coding change: c.101875G>A on transcript NM_001267550.2 (MANE Select); coding-DNA position 101875, G replaced by A.
Protein change: p.Glu33959Lys; replaces glutamic acid 33959 with lysine.
Molecular consequence: missense variant.
Genome position (GRCh38, 1-based): chr2:178,534,740, C>T on the plus strand (G>A on the coding strand, the complement: TTN is on the minus strand). VCF-style: chr2-178534740-C-T. GRCh37 (hg19) VCF-style: chr2-179399467-C-T.
Other names: c.96952G>A, p.Glu32318Lys (NM_001256850.1); c.74680G>A, p.Glu24894Lys (NM_003319.4); c.94171G>A, p.Glu31391Lys (NM_133378.4); c.75055G>A, p.Glu25019Lys (NM_133432.3); c.75256G>A, p.Glu25086Lys (NM_133437.4); short protein forms E33959K, E31391K, E25086K, E24894K, E25019K, E32318K.
Identifiers: ClinVar variation 332699 (VCV000332699.15), dbSNP rs886055224, ClinGen allele CA10613208.
Genomic context (GRCh38, chr2:178,534,740, plus strand): 5'-GGGCAGTGAATAGAAGCCTGAAGTTGTCCCCTGGTTTCAGCTGACGGGCTTGACCAAATT[C>T]TATGATTTTAATGGTAGAGCTTCTTCTGGTTTGGTAAATGATATTTTCTGGTCTAATGTC-3'
Protein context (NP_001254479.2, residues 33949-33969): TRRSSTIKII[Glu33959Lys]FGQARQLKPG

ClinVar aggregate classification (germline): Uncertain significance. Review status: criteria provided, multiple submitters, no conflicts (2 of 4 stars). 11 submissions from 7 submitters: Uncertain significance (11). Last evaluated 2025-09-30.

Conditions:
Tibial muscular dystrophy (TMD). Also called: Udd Distal Myopathy – Tibial Muscular Dystrophy; UDD MYOPATHY; Tibial muscular dystrophy, tardive. Identifiers: Orphanet 609, MedGen C1838244, MONDO:0010870, OMIM 600334.
Cardiovascular phenotype. Identifiers: MedGen CN230736.
Dilated cardiomyopathy 1G (CMD1G). Identifiers: Orphanet 154, MedGen C1858763, MONDO:0011400, OMIM 604145.
Autosomal recessive limb-girdle muscular dystrophy type 2J (LGMDR10). Also called: MUSCULAR DYSTROPHY, LIMB-GIRDLE, AUTOSOMAL RECESSIVE 10; Limb-girdle muscular dystrophy, type 2J. Identifiers: Orphanet 140922, MedGen C1837342, MONDO:0012127, OMIM 608807.
Early-onset myopathy with fatal cardiomyopathy (CMYO5). Also called: CONGENITAL MYOPATHY 5 WITH CARDIOMYOPATHY; Salih Myopathy. Identifiers: Orphanet 289377, MedGen C2673677, MONDO:0012714, OMIM 611705. Disease mechanism: loss of function.
Hypertrophic cardiomyopathy 9. Also called: Familial hypertrophic cardiomyopathy 9. Identifiers: MedGen C1861065, MONDO:0013412, OMIM 613765.
Myopathy, myofibrillar, 9, with early respiratory failure (MFM9). Also called: Myopathy, distal, with early respiratory failure, autosomal dominant; Hereditary myopathy with early respiratory failure; EDSTROM MYOPATHY; MYOPATHY, PROXIMAL, WITH EARLY RESPIRATORY MUSCLE INVOLVEMENT. Identifiers: Orphanet 178464, Orphanet 34521, MedGen C1863599, MONDO:0011362, OMIM 603689.

Allele frequency attached by ClinVar (database versions not stated): gnomAD exomes below 0.00001; gnomAD 0.00001; TOPMed 0.00002.
gnomAD v4.1: 23 of 1,613,672 alleles (0.0014%); highest among the groups gnomAD compares: East Asian, 0.0067%; no homozygotes.

Submissions (11):

Women's Health and Genetics/Laboratory Corporation of America, LabCorp
Classification: Uncertain significance. Last evaluated: 2025-09-30. Review status: criteria provided, single submitter. Criteria: LabCorp Variant Classification Summary - May 2015. Collection method: clinical testing. Allele origin: germline.
Comment: Variant summary: TTN NM_133378 c.94171G>A (p.Glu31391Lys), also known as NM_001267550.2 c.101875G>A p.Glu33959Lys, results in a conservative amino acid change located in the M-band of the encoded protein sequence. Algorithms developed to predict the effect of missense changes on protein structure and function are either unavailable or do not agree on the potential impact of this missense change. The variant allele was found at a frequency of 4e-06 in 248836 control chromosomes. The available data on variant occurrences in the general population are insufficient to allow any conclusion about variant significance. c.94171G>A has been reported in the literature in at least one individual affected with Dilated Cardiomyopathy (Mazzarotto_2020). These report(s) do not provide unequivocal conclusions about association of the variant with Dilated Cardiomyopathy. To our knowledge, no experimental evidence demonstrating an impact on protein function has been reported. The following publication has been ascertained in the context of this evaluation (PMID: 31983221). ClinVar contains an entry for this variant (Variation ID: 332699). Based on the evidence outlined above, the variant was classified as uncertain significance.

Revvity Omics, Revvity
Classification: Uncertain significance. Last evaluated: 2024-10-25. Review status: criteria provided, single submitter. Criteria: ACMG Guidelines, 2015. Collection method: clinical testing. Allele origin: germline.

Department of Pathology and Laboratory Medicine, Sinai Health System
Classification: Uncertain significance for Tibial muscular dystrophy; Myopathy, myofibrillar, 9, with early respiratory failure; Dilated cardiomyopathy 1G; Autosomal recessive limb-girdle muscular dystrophy type 2J; Early-onset myopathy with fatal cardiomyopathy; Hypertrophic cardiomyopathy 9. Last evaluated: 2021-12-01. Review status: criteria provided, single submitter. Criteria: ACMG Guidelines, 2015. Collection method: research. Allele origin: germline.

Fulgent Genetics
Classification: Uncertain significance for Tibial muscular dystrophy; Myopathy, myofibrillar, 9, with early respiratory failure; Dilated cardiomyopathy 1G; Autosomal recessive limb-girdle muscular dystrophy type 2J; Early-onset myopathy with fatal cardiomyopathy; Hypertrophic cardiomyopathy 9. Last evaluated: 2021-07-13. Review status: criteria provided, single submitter. Criteria: ACMG Guidelines, 2015. Collection method: clinical testing. Allele origin: unknown.

Ambry Genetics
Classification: Uncertain significance for Cardiovascular phenotype. Last evaluated: 2020-08-25. Review status: criteria provided, single submitter. Criteria: Ambry Variant Classification Scheme 2023. Collection method: clinical testing. Allele origin: germline.
Comment: The p.E24894K variant (also known as c.74680G>A), located in coding exon 185 of the TTN gene, results from a G to A substitution at nucleotide position 74680. The glutamic acid at codon 24894 is replaced by lysine, an amino acid with similar properties. This amino acid position is highly conserved in available vertebrate species. In addition, the in silico prediction for this alteration is inconclusive. Since supporting evidence is limited at this time, the clinical significance of this alteration remains unclear.

Illumina Laboratory Services, Illumina
Classification: Uncertain significance for Tibial muscular dystrophy. Last evaluated: 2018-01-13. Review status: criteria provided, single submitter. Criteria: ICSL Variant Classification Criteria 13 December 2019. Collection method: clinical testing. Allele origin: germline.

Illumina Laboratory Services, Illumina
Classification: Uncertain significance for Myopathy, myofibrillar, 9, with early respiratory failure. Last evaluated: 2018-01-13. Review status: criteria provided, single submitter. Criteria: ICSL Variant Classification Criteria 13 December 2019. Collection method: clinical testing. Allele origin: germline.

Illumina Laboratory Services, Illumina
Classification: Uncertain significance for Dilated cardiomyopathy 1G. Last evaluated: 2018-01-13. Review status: criteria provided, single submitter. Criteria: ICSL Variant Classification Criteria 13 December 2019. Collection method: clinical testing. Allele origin: germline.

Illumina Laboratory Services, Illumina
Classification: Uncertain significance for Early-onset myopathy with fatal cardiomyopathy. Last evaluated: 2018-01-13. Review status: criteria provided, single submitter. Criteria: ICSL Variant Classification Criteria 13 December 2019. Collection method: clinical testing. Allele origin: germline.

Illumina Laboratory Services, Illumina
Classification: Uncertain significance for Autosomal recessive limb-girdle muscular dystrophy type 2J. Last evaluated: 2018-01-13. Review status: criteria provided, single submitter. Criteria: ICSL Variant Classification Criteria 13 December 2019. Collection method: clinical testing. Allele origin: germline.

Labcorp Genetics (formerly Invitae), Labcorp
Classification: Uncertain significance for Dilated cardiomyopathy 1G; Autosomal recessive limb-girdle muscular dystrophy type 2J. Last evaluated: 2017-11-15. Review status: criteria provided, single submitter. Criteria: Invitae Variant Classification Sherloc (09022015). Collection method: clinical testing. Allele origin: germline.

Literature cited by the submitters: PubMed 31983221 (cited by Women's Health and Genetics/Laboratory Corporation of America, LabCorp).